The following is an entry in ClinVar:

NM_015570.4(AUTS2):c.3259A>G (p.Arg1087Gly)

Gene: AUTS2 (activator of transcription and developmental regulator AUTS2; plus strand). Cytogenetic location: 7q11.22.
Variant type: single nucleotide variant.
Coding change: c.3259A>G on transcript NM_015570.4 (MANE Select); coding-DNA position 3259, A replaced by G.
Protein change: p.Arg1087Gly; replaces arginine 1087 with glycine.
Molecular consequence: missense variant.
Genome position (GRCh38, 1-based): chr7:70,790,475, A>G. VCF-style: chr7-70790475-A-G. GRCh37 (hg19) VCF-style: chr7-70255461-A-G.
Other names: c.3187A>G, p.Arg1063Gly (NM_001127231.3); short protein forms R1087G, R1063G.
Identifiers: ClinVar variation 2825232 (VCV002825232.3), dbSNP rs1297452429, ClinGen allele CA367665815.

ClinVar aggregate classification (germline): Uncertain significance (1 of 4 stars; one submission).

Submission:

Labcorp Genetics (formerly Invitae), Labcorp
Classification: Uncertain significance. Last evaluated: 2022-12-31. Review status: criteria provided, single submitter. Criteria: Invitae Variant Classification Sherloc (09022015). Collection method: clinical testing. Allele origin: germline.
Comment: This variant has not been reported in the literature in individuals affected with AUTS2-related conditions. This variant is not present in population databases (gnomAD no frequency). This sequence change replaces arginine, which is basic and polar, with glycine, which is neutral and non-polar, at codon 1087 of the AUTS2 protein (p.Arg1087Gly). In summary, the available evidence is currently insufficient to determine the role of this variant in disease. Therefore, it has been classified as a Variant of Uncertain Significance. Advanced modeling of protein sequence and biophysical properties (such as structural, functional, and spatial information, amino acid conservation, physicochemical variation, residue mobility, and thermodynamic stability) performed at Invitae indicates that this missense variant is expected to disrupt AUTS2 protein function.